The following is an entry in ClinVar:

NM_178161.3(PTF1A):c.269G>C (p.Gly90Ala)

Gene: PTF1A (pancreas associated transcription factor 1a; plus strand). Cytogenetic location: 10p12.2.
Variant type: single nucleotide variant.
Coding change: c.269G>C on transcript NM_178161.3 (MANE Select); coding-DNA position 269, G replaced by C.
Protein change: p.Gly90Ala; replaces glycine 90 with alanine.
Molecular consequence: missense variant.
Genome position (GRCh38, 1-based): chr10:23,192,799, G>C. VCF-style: chr10-23192799-G-C. GRCh37 (hg19) VCF-style: chr10-23481728-G-C.
Other names: short protein forms G90A.
Identifiers: ClinVar variation 130054 (VCV000130054.25), dbSNP rs535090775, ClinGen allele CA231426.

ClinVar aggregate classification (germline): Conflicting classifications of pathogenicity. Review status: criteria provided, conflicting classifications (1 of 4 stars). 8 submissions from 8 submitters: Uncertain significance (3); Benign (3); Likely benign (2). Last evaluated 2026-06-01.

Conditions:
Permanent neonatal diabetes mellitus-pancreatic and cerebellar agenesis syndrome. Also called: PANCREATIC AND CEREBELLAR AGENESIS. Identifiers: Orphanet 65288, MedGen C1836780, MONDO:0012192, OMIM 609069.
Pancreatic agenesis 2 (PAGEN2). Also called: PANCREATIC HYPOPLASIA, CONGENITAL 2. Identifiers: Orphanet 2805, MedGen C4014737, MONDO:0014406, OMIM 615935.
Monogenic diabetes. Identifiers: Orphanet 183625, MedGen C3888631, MONDO:0015967.

Allele frequency attached by ClinVar (database versions not stated): ExAC below 0.00001; gnomAD exomes 0.00083; gnomAD 0.00398 and 0.00423; 1000 Genomes Project 0.00439; TOPMed 0.00461; 1000 Genomes Project 30x 0.00468.
gnomAD v4.1: 1,124 of 1,315,372 alleles (0.085%); highest among the groups gnomAD compares: African/African-American, 1.4%; no homozygotes.

Submissions (8):

CeGaT Center for Human Genetics Tuebingen
Classification: Likely benign. Last evaluated: 2026-06-01. Review status: criteria provided, single submitter. Criteria: CeGaT Center For Human Genetics Tuebingen Variant Classification Criteria Version 2. Collection method: clinical testing. Allele origin: germline. Affected: yes. Observed: 1 variant allele.
Comment: PTF1A: BS1

Labcorp Genetics (formerly Invitae), Labcorp
Classification: Benign. Last evaluated: 2026-01-29. Review status: criteria provided, single submitter. Criteria: Invitae Variant Classification Sherloc (09022015). Collection method: clinical testing. Allele origin: germline.

Blueprint Genetics
Classification: Likely benign. Last evaluated: 2024-11-26. Review status: criteria provided, single submitter. Criteria: ACMG Guidelines, 2015. Collection method: clinical testing. Allele origin: germline.

New York Genome Center
Classification: Uncertain significance for Pancreatic agenesis 2. Last evaluated: 2021-02-09. Review status: criteria provided, single submitter. Criteria: NYGC Assertion Criteria 2020. Collection method: clinical testing. Allele origin: germline. Observed: 1 heterozygote.

Genetic Services Laboratory, University of Chicago
Classification: Benign. Last evaluated: 2019-03-07. Review status: criteria provided, single submitter. Criteria: ACMG Guidelines, 2015. Collection method: clinical testing. Allele origin: germline. Affected: no.

Fulgent Genetics
Classification: Uncertain significance for Permanent neonatal diabetes mellitus-pancreatic and cerebellar agenesis syndrome; Pancreatic agenesis 2. Last evaluated: 2018-10-31. Review status: criteria provided, single submitter. Criteria: ACMG Guidelines, 2015. Collection method: clinical testing. Allele origin: unknown.

Illumina Laboratory Services, Illumina
Classification: Benign for Permanent neonatal diabetes mellitus-pancreatic and cerebellar agenesis syndrome. Last evaluated: 2017-04-27. Review status: criteria provided, single submitter. Criteria: ICSL Variant Classification Criteria 13 December 2019. Collection method: clinical testing. Allele origin: germline.
Comment: This variant was observed as part of a predisposition screen in an ostensibly healthy population. A literature search was performed for the gene, cDNA change, and amino acid change (where applicable). Publications were found based on this search. The evidence from the literature, in combination with allele frequency data from public databases where available, was sufficient to rule this variant out of causing disease. Therefore, this variant is classified as benign.

Personalized Diabetes Medicine Program, University of Maryland School of Medicine
Classification: Uncertain significance for Monogenic diabetes. Last evaluated: 2015-10-27. Review status: criteria provided, single submitter. Criteria: ACMG Guidelines, 2015. Collection method: research. Allele origin: unknown. Observed: 2 variant alleles, 2 heterozygotes.
Comment: ACMG Criteria: BP4

Literature cited by the submitters: PubMed 25775927 (cited by Illumina Laboratory Services, Illumina).